The following is an entry in ClinVar:

NM_017849.4(TMEM127):c.289G>A (p.Ala97Thr)

Gene: TMEM127 (transmembrane protein 127; minus strand). Cytogenetic location: 2q11.2.
Variant type: single nucleotide variant.
Coding change: c.289G>A on transcript NM_017849.4 (MANE Select); coding-DNA position 289, G replaced by A.
Protein change: p.Ala97Thr; replaces alanine 97 with threonine.
Molecular consequence: missense variant.
Genome position (GRCh38, 1-based): chr2:96,254,953, C>T on the plus strand (G>A on the coding strand, the complement: TMEM127 is on the minus strand). VCF-style: chr2-96254953-C-T. GRCh37 (hg19) VCF-style: chr2-96920691-C-T.
Other names: c.289G>A, p.Ala97Thr (NM_001193304.3); short protein forms A97T.
Identifiers: ClinVar variation 241221 (VCV000241221.19), dbSNP rs752938517, ClinGen allele CA1777356.

ClinVar aggregate classification (germline): Uncertain significance. Review status: criteria provided, multiple submitters, no conflicts (2 of 4 stars). 5 submissions from 5 submitters: Uncertain significance (5). Last evaluated 2025-12-03.

Conditions:
Hereditary pheochromocytoma and paraganglioma. Also called: Hereditary paragangliomas and pheochromocytomas; Hereditary pheochromocytoma-paraganglioma; Hereditary Paraganglioma-Pheochromocytoma Syndromes. Identifiers: Orphanet 29072, MedGen C4274332, MONDO:0017366.
Hereditary cancer-predisposing syndrome. Also called: Tumor predisposition; Hereditary neoplastic syndrome; Hereditary Cancer Syndrome; Neoplastic Syndromes, Hereditary. Identifiers: Orphanet 140162, MedGen C0027672, MeSH D009386, MONDO:0015356.
Pheochromocytoma. Also called: MAX-Related Hereditary Paraganglioma-Pheochromocytoma Syndrome. Identifiers: Orphanet 29072, MedGen C0031511, MONDO:0008233, OMIM 171300, HP:0002666.

Allele frequency attached by ClinVar (database versions not stated): gnomAD exomes 0.00001 and 0.00002; gnomAD 0.00002 and 0.00003; TOPMed 0.00002; ExAC 0.00002.
gnomAD v4.1: 22 of 1,614,092 alleles (0.0014%); highest among the groups gnomAD compares: East Asian, 0.011%; no homozygotes.

Submissions (5):

Labcorp Genetics (formerly Invitae), Labcorp
Classification: Uncertain significance for Hereditary pheochromocytoma and paraganglioma. Last evaluated: 2025-12-03. Review status: criteria provided, single submitter. Criteria: Invitae Variant Classification Sherloc (09022015). Collection method: clinical testing. Allele origin: germline.
Comment: This sequence change replaces alanine, which is neutral and non-polar, with threonine, which is neutral and polar, at codon 97 of the TMEM127 protein (p.Ala97Thr). This variant is present in population databases (rs752938517, gnomAD 0.02%). This variant has not been reported in the literature in individuals affected with TMEM127-related conditions. ClinVar contains an entry for this variant (Variation ID: 241221). An algorithm developed to predict the effect of missense changes on protein structure and function (PolyPhen-2) suggests that this variant is likely to be tolerated. In summary, the available evidence is currently insufficient to determine the role of this variant in disease. Therefore, it has been classified as a Variant of Uncertain Significance.

Dasa
Classification: Uncertain significance. Last evaluated: 2025-04-07. Review status: criteria provided, single submitter. Criteria: DASA Assertion Criteria. Collection method: clinical testing. Allele origin: germline.
Comment: NM_017849.4(TMEM127):c.289G>A (p.Ala97Thr) is a missense variant that results in the substitution of alanine with threonine. This variant is rare in population databases. Computational prediction algorithms are consistent with a benign effect. The currently available literature and clinical evidence are not sufficient to establish a definitive association between this variant and the reported condition. Therefore, this variant is classified as a variant of uncertain significance.

Ambry Genetics
Classification: Uncertain significance for Hereditary cancer-predisposing syndrome. Last evaluated: 2024-04-01. Review status: criteria provided, single submitter. Criteria: Ambry Variant Classification Scheme 2023. Collection method: clinical testing. Allele origin: germline.
Comment: The p.A97T variant (also known as c.289G>A), located in coding exon 2 of the TMEM127 gene, results from a G to A substitution at nucleotide position 289. The alanine at codon 97 is replaced by threonine, an amino acid with similar properties. This amino acid position is highly conserved in available vertebrate species. In addition, the in silico prediction for this alteration is inconclusive. Since supporting evidence is limited at this time, the clinical significance of this alteration remains unclear.

Baylor Genetics
Classification: Uncertain significance for Pheochromocytoma. Last evaluated: 2023-07-12. Review status: criteria provided, single submitter. Criteria: ACMG Guidelines, 2015. Collection method: clinical testing. Allele origin: unknown.

Sema4
Classification: Uncertain significance for Hereditary cancer-predisposing syndrome. Last evaluated: 2021-07-29. Review status: criteria provided, single submitter. Criteria: Sema4 Curation Guidelines. Collection method: curation. Allele origin: germline.
Comment: The TMEM127 c.289G>A (p.A97T) variant has not been reported in the literature to our knowledge. It was observed in 3/18394 chromosomes of the East Asian subpopulation in the large and broad cohorts of the Genome Aggregation Database (PMID: 32461654). The variant has been reported in ClinVar (Variation ID 241221). Functional studies have not been performed, and in silico predictions of the variant's effect on protein function are inconclusive. The evidence is insufficient to meet ACMG/AMP criteria for classifying the variant as benign or pathogenic. Thus, the clinical significance of this variant is currently uncertain.